The following is an entry in ClinVar:

ClinVar aggregate classification (germline): Uncertain significance (1 of 4 stars; one submission).

Conditions:
Charcot-Marie-Tooth disease type 4. Also called: Charcot-Marie-Tooth disease, type IV; Charcot-Marie-Tooth, Type 4. Identifiers: Orphanet 64749, MedGen C4082197, MONDO:0018995.

Allele frequency attached by ClinVar (database versions not stated): gnomAD exomes below 0.00001.
gnomAD v4.1: 1 of 1,612,322 alleles (0.000062%); highest among the groups gnomAD compares: Non-Finnish European, 0.000085%; no homozygotes.

Submission:

Labcorp Genetics (formerly Invitae), Labcorp
Classification: Uncertain significance for Charcot-Marie-Tooth disease type 4. Last evaluated: 2019-10-10. Review status: criteria provided, single submitter. Criteria: Invitae Variant Classification Sherloc (09022015). Collection method: clinical testing. Allele origin: germline.
Comment: Algorithms developed to predict the effect of missense changes on protein structure and function (SIFT, PolyPhen-2, Align-GVGD) all suggest that this variant is likely to be tolerated, but these predictions have not been confirmed by published functional studies and their clinical significance is uncertain. In summary, the available evidence is currently insufficient to determine the role of this variant in disease. Therefore, it has been classified as a Variant of Uncertain Significance. This sequence change replaces asparagine with serine at codon 728 of the FIG4 protein (p.Asn728Ser). The asparagine residue is moderately conserved and there is a small physicochemical difference between asparagine and serine. This variant is not present in population databases (ExAC no frequency). This variant has not been reported in the literature in individuals with FIG4-related conditions.

NM_014845.6(FIG4):c.2183A>G (p.Asn728Ser)

Gene: FIG4 (FIG4 phosphoinositide 5-phosphatase; plus strand). Cytogenetic location: 6q21.
Variant type: single nucleotide variant.
Coding change: c.2183A>G on transcript NM_014845.6 (MANE Select); coding-DNA position 2183, A replaced by G.
Protein change: p.Asn728Ser; replaces asparagine 728 with serine.
Molecular consequence: missense variant.
Genome position (GRCh38, 1-based): chr6:109,791,378, A>G. VCF-style: chr6-109791378-A-G. GRCh37 (hg19) VCF-style: chr6-110112581-A-G.
Other names: short protein forms N728S.
Identifiers: ClinVar variation 969990 (VCV000969990.9), dbSNP rs1778129763, ClinGen allele CA365215719.